The following is an entry in ClinVar:

NM_001330260.2(SCN8A):c.1174G>T (p.Val392Phe)

Gene: SCN8A (sodium voltage-gated channel alpha subunit 8; plus strand). Cytogenetic location: 12q13.13.
Variant type: single nucleotide variant.
Coding change: c.1174G>T on transcript NM_001330260.2 (MANE Select); coding-DNA position 1174, G replaced by T.
Protein change: p.Val392Phe; replaces valine 392 with phenylalanine.
Molecular consequence: missense variant.
Genome position (GRCh38, 1-based): chr12:51,705,456, G>T. VCF-style: chr12-51705456-G-T. GRCh37 (hg19) VCF-style: chr12-52099240-G-T.
Other names: c.1174G>T, p.Val392Phe (NM_001177984.3, NM_001369788.1, NM_014191.4); short protein forms V392F.
Identifiers: ClinVar variation 4530903 (VCV004530903.1).

ClinVar aggregate classification (germline): Uncertain significance (1 of 4 stars; one submission).

Submission:

GeneDx
Classification: Uncertain significance. Last evaluated: 2025-05-19. Review status: criteria provided, single submitter. Criteria: GeneDx Variant Classification Process June 2021. Collection method: clinical testing. Allele origin: germline. Affected: yes.
Comment: Not observed at significant frequency in large population cohorts (gnomAD); In silico analysis supports that this missense variant has a deleterious effect on protein structure/function; Has not been previously published as pathogenic or benign to our knowledge; This substitution is predicted to be within the transmembrane segment S6 of the first homologous domain